The following is an entry in ClinVar:

ClinVar aggregate classification (germline): Uncertain significance (1 of 4 stars; one submission).

Conditions:
Cardiovascular phenotype. Identifiers: MedGen CN230736.

Allele frequency attached by ClinVar (database versions not stated): TOPMed below 0.00001; gnomAD 0.00001.

Submission:

Ambry Genetics
Classification: Uncertain significance for Cardiovascular phenotype. Last evaluated: 2022-12-23. Review status: criteria provided, single submitter. Criteria: Ambry Variant Classification Scheme 2023. Collection method: clinical testing. Allele origin: germline.
Comment: The p.A176V variant (also known as c.527C>T), located in coding exon 1 of the GATA4 gene, results from a C to T substitution at nucleotide position 527. The alanine at codon 176 is replaced by valine, an amino acid with similar properties. This amino acid position is conserved. In addition, the in silico prediction for this alteration is inconclusive. Since supporting evidence is limited at this time, the clinical significance of this alteration remains unclear.

NM_001308093.3(GATA4):c.527C>T (p.Ala176Val)

Gene: GATA4 (GATA binding protein 4). Cytogenetic location: 8p23.1.
Variant type: single nucleotide variant.
Coding change: c.527C>T on transcript NM_001308093.3 (MANE Select); coding-DNA position 527, C replaced by T.
Protein change: p.Ala176Val; replaces alanine 176 with valine.
Molecular consequence: missense variant. On other transcripts: intron variant (3).
Genome position (GRCh38, 1-based): chr8:11,708,839, C>T. VCF-style: chr8-11708839-C-T. GRCh37 (hg19) VCF-style: chr8-11566348-C-T.
Other names: c.527C>T, p.Ala176Val (NM_002052.5); c.-6+8061C>T (NM_001308094.2); c.-3+825C>T (NM_001374274.1); c.-3+4535C>T (NM_001374273.1); short protein forms A176V.
Identifiers: ClinVar variation 3221996 (VCV003221996.1), dbSNP rs1369876532, ClinGen allele CA370309816.